The following is an entry in ClinVar:

ClinVar aggregate classification (germline): Benign/Likely benign. Review status: criteria provided, multiple submitters, no conflicts (2 of 4 stars). 7 submissions from 7 submitters: Benign (1); Likely benign (5). 1 of the submissions does not count toward it. Last evaluated 2026-04-01.

Conditions:
CREBBP-related disorder. Also called: CREBBP-related disorders; CREBBP-related condition.
Rubinstein-Taybi syndrome (RSTS). Identifiers: Orphanet 783, MedGen C0035934, MONDO:0019188.
Inborn genetic diseases. Identifiers: MedGen C0950123, MeSH D030342.

Allele frequency attached by ClinVar (database versions not stated): ExAC 0.00011; gnomAD exomes 0.00014 and 0.00022; gnomAD 0.00017; TOPMed 0.00019; ESP Exome Variant Server 0.00023.
gnomAD v4.1: 357 of 1,611,224 alleles (0.022%); highest among the groups gnomAD compares: Admixed American, 0.032%; no homozygotes.

Submissions (7):

CeGaT Center for Human Genetics Tuebingen
Classification: Likely benign. Last evaluated: 2026-04-01. Review status: criteria provided, single submitter. Criteria: CeGaT Center For Human Genetics Tuebingen Variant Classification Criteria Version 2. Collection method: clinical testing. Allele origin: germline. Affected: yes. Observed: 1 variant allele.
Comment: CREBBP: BP4, BP7

Labcorp Genetics (formerly Invitae), Labcorp
Classification: Likely benign for Rubinstein-Taybi syndrome. Last evaluated: 2025-11-13. Review status: criteria provided, single submitter. Criteria: Invitae Variant Classification Sherloc (09022015). Collection method: clinical testing. Allele origin: germline.

Blueprint Genetics
Classification: Likely benign. Last evaluated: 2024-09-24. Review status: criteria provided, single submitter. Criteria: ACMG Guidelines, 2015. Collection method: clinical testing. Allele origin: germline.

Ambry Genetics
Classification: Likely benign for Inborn genetic diseases. Last evaluated: 2017-01-26. Review status: criteria provided, single submitter. Criteria: Ambry Variant Classification Scheme 2023. Collection method: clinical testing. Allele origin: germline.

GeneDx
Classification: Benign. Last evaluated: 2015-03-03. Review status: criteria provided, single submitter. Criteria: GeneDx Variant Classification Process June 2021. Collection method: clinical testing. Allele origin: germline. Affected: yes.

Breakthrough Genomics
Classification: Likely benign. Review status: criteria provided, single submitter. Criteria: ACMG Guidelines, 2015. Collection method: not provided. Allele origin: germline. Inheritance: Autosomal dominant inheritance. Affected: yes.

PreventionGenetics, part of Exact Sciences
Classification: Likely benign for CREBBP-related condition. Last evaluated: 2021-07-07. Review status: no assertion criteria provided. Collection method: clinical testing. Allele origin: germline. Not counted in ClinVar's aggregate classification.
Comment: This variant is classified as likely benign based on ACMG/AMP sequence variant interpretation guidelines (Richards et al. 2015 PMID: 25741868, with internal and published modifications).

NM_004380.3(CREBBP):c.6165C>T (p.Ser2055=)

Gene: CREBBP (CREB binding lysine acetyltransferase; minus strand). Cytogenetic location: 16p13.3.
Variant type: single nucleotide variant.
Coding change: c.6165C>T on transcript NM_004380.3 (MANE Select); coding-DNA position 6165, C replaced by T.
Protein change: p.Ser2055=; no amino-acid change (serine 2055 retained).
Molecular consequence: synonymous variant.
Genome position (GRCh38, 1-based): chr16:3,728,882, G>A on the plus strand (C>T on the coding strand, the complement: CREBBP is on the minus strand). VCF-style: chr16-3728882-G-A. GRCh37 (hg19) VCF-style: chr16-3778883-G-A.
Other names: c.6051C>T, p.Ser2017= (NM_001079846.1).
Identifiers: ClinVar variation 589518 (VCV000589518.23), dbSNP rs368704484, ClinGen allele CA7869166.